The following is an entry in ClinVar:

ClinVar aggregate classification (germline): Uncertain significance (1 of 4 stars; one submission).

gnomAD v4.1: 146 of 1,613,858 alleles (0.009%); highest among the groups gnomAD compares: African/African-American, 0.18%; no homozygotes.

Submission:

GeneDx
Classification: Uncertain significance. Last evaluated: 2026-03-22. Review status: criteria provided, single submitter. Criteria: GeneDx Variant Classification Process June 2021. Collection method: clinical testing. Allele origin: germline.
Comment: In silico analysis suggests that this missense variant does not alter protein structure/function; Has not been previously published as pathogenic or benign to our knowledge

NM_020318.3(PAPPA2):c.4100C>A (p.Ala1367Asp)

Gene: PAPPA2 (pappalysin 2; plus strand). Cytogenetic location: 1q25.2.
Variant type: single nucleotide variant.
Coding change: c.4100C>A on transcript NM_020318.3 (MANE Select); coding-DNA position 4100, C replaced by A.
Protein change: p.Ala1367Asp; replaces alanine 1367 with aspartic acid.
Molecular consequence: missense variant.
Genome position (GRCh38, 1-based): chr1:176,740,145, C>A. VCF-style: chr1-176740145-C-A. GRCh37 (hg19) VCF-style: chr1-176709281-C-A.
Other names: short protein forms A1367D.
Identifiers: ClinVar variation 5017031 (VCV005017031.1).